The following is an entry in ClinVar:

NM_001845.6(COL4A1):c.525A>C (p.Arg175Ser)

Gene: COL4A1 (collagen type IV alpha 1 chain; minus strand). Cytogenetic location: 13q34.
Variant type: single nucleotide variant.
Coding change: c.525A>C on transcript NM_001845.6 (MANE Select); coding-DNA position 525, A replaced by C.
Protein change: p.Arg175Ser; replaces arginine 175 with serine.
Molecular consequence: missense variant.
Genome position (GRCh38, 1-based): chr13:110,210,156, T>G on the plus strand (A>C on the coding strand, the complement: COL4A1 is on the minus strand). VCF-style: chr13-110210156-T-G. GRCh37 (hg19) VCF-style: chr13-110862503-T-G.
Other names: c.525A>C, p.Arg175Ser (NM_001303110.2); short protein forms R175S.
Identifiers: ClinVar variation 2967424 (VCV002967424.3), dbSNP rs966826096, ClinGen allele CA256290085.

ClinVar aggregate classification (germline): Uncertain significance (1 of 4 stars; one submission).

Allele frequency attached by ClinVar (database versions not stated): gnomAD exomes 0.00001; TOPMed 0.00002.
gnomAD v4.1: 9 of 1,614,102 alleles (0.00056%); highest among the groups gnomAD compares: Non-Finnish European, 0.00068%; no homozygotes.

Submission:

Labcorp Genetics (formerly Invitae), Labcorp
Classification: Uncertain significance. Last evaluated: 2024-10-07. Review status: criteria provided, single submitter. Criteria: Invitae Variant Classification Sherloc (09022015). Collection method: clinical testing. Allele origin: germline.
Comment: This sequence change replaces arginine, which is basic and polar, with serine, which is neutral and polar, at codon 175 of the COL4A1 protein (p.Arg175Ser). This variant is present in population databases (no rsID available, gnomAD 0.002%). This variant has not been reported in the literature in individuals affected with COL4A1-related conditions. Invitae Evidence Modeling of protein sequence and biophysical properties (such as structural, functional, and spatial information, amino acid conservation, physicochemical variation, residue mobility, and thermodynamic stability) indicates that this missense variant is not expected to disrupt COL4A1 protein function with a negative predictive value of 95%. In summary, the available evidence is currently insufficient to determine the role of this variant in disease. Therefore, it has been classified as a Variant of Uncertain Significance.